The following is an entry in ClinVar:

ClinVar aggregate classification (germline): Uncertain significance. Review status: criteria provided, multiple submitters, no conflicts (2 of 4 stars). 2 submissions from 2 submitters: Uncertain significance (2). Last evaluated 2025-12-01.

Conditions:
Erythrocytosis, familial, 3 (ECYT3). Identifiers: Orphanet 247511, MedGen C1853286, MONDO:0012353, OMIM 609820.

Allele frequency attached by ClinVar (database versions not stated): gnomAD exomes 0.00001; TOPMed 0.00006; gnomAD 0.00007.

Submissions (2):

Labcorp Genetics (formerly Invitae), Labcorp
Classification: Uncertain significance for Erythrocytosis, familial, 3. Last evaluated: 2025-12-01. Review status: criteria provided, single submitter. Criteria: Invitae Variant Classification Sherloc (09022015). Collection method: clinical testing. Allele origin: germline.
Comment: This sequence change replaces proline, which is neutral and non-polar, with leucine, which is neutral and non-polar, at codon 84 of the EGLN1 protein (p.Pro84Leu). The frequency data for this variant in the population databases is considered unreliable, as metrics indicate poor data quality at this position in the gnomAD database. This variant has not been reported in the literature in individuals affected with EGLN1-related conditions. ClinVar contains an entry for this variant (Variation ID: 2457090). An algorithm developed to predict the effect of missense changes on protein structure and function (PolyPhen-2) suggests that this variant is likely to be disruptive. In summary, the available evidence is currently insufficient to determine the role of this variant in disease. Therefore, it has been classified as a Variant of Uncertain Significance.

Ambry Genetics
Classification: Uncertain significance. Last evaluated: 2025-04-15. Review status: criteria provided, single submitter. Criteria: Ambry Variant Classification Scheme 2023. Collection method: clinical testing. Allele origin: germline.

NM_022051.3(EGLN1):c.251C>T (p.Pro84Leu)

Gene: EGLN1 (egl-9 family hypoxia inducible factor 1; minus strand). Cytogenetic location: 1q42.2.
Variant type: single nucleotide variant.
Coding change: c.251C>T on transcript NM_022051.3 (MANE Select); coding-DNA position 251, C replaced by T.
Protein change: p.Pro84Leu; replaces proline 84 with leucine.
Molecular consequence: missense variant.
Genome position (GRCh38, 1-based): chr1:231,421,638, G>A on the plus strand (C>T on the coding strand, the complement: EGLN1 is on the minus strand). VCF-style: chr1-231421638-G-A. GRCh37 (hg19) VCF-style: chr1-231557384-G-A.
Other names: c.251C>T, p.Pro84Leu (NM_001377260.1, NM_001377261.1); short protein forms P84L.
Identifiers: ClinVar variation 2457090 (VCV002457090.5), dbSNP rs961372536, ClinGen allele CA38948963.